The following is an entry in ClinVar:

ClinVar aggregate classification (germline): Likely benign (1 of 4 stars; one submission).

Submission:

CeGaT Center for Human Genetics Tuebingen
Classification: Likely benign. Last evaluated: 2026-07-01. Review status: criteria provided, single submitter. Criteria: CeGaT Center For Human Genetics Tuebingen Variant Classification Criteria Version 2. Collection method: clinical testing. Allele origin: germline. Affected: yes. Observed: 1 variant allele.
Comment: TSPOAP1: BP4, BP7

NM_004758.4(TSPOAP1):c.858G>A (p.Glu286=)

Genes: TSPOAP1 (TSPO associated protein 1; minus strand), LOC130061275 (ATAC-STARR-seq lymphoblastoid silent region 8763; plus strand). Cytogenetic location: 17q22.
Variant type: single nucleotide variant.
Coding change: c.858G>A on transcript NM_004758.4 (MANE Select); coding-DNA position 858, G replaced by A.
Protein change: p.Glu286=; no amino-acid change (glutamic acid 286 retained).
Molecular consequence: synonymous variant.
Genome position (GRCh38, 1-based): chr17:58,324,895, C>T on the plus strand (G>A on the coding strand, the complement: TSPOAP1 is on the minus strand). VCF-style: chr17-58324895-C-T. GRCh37 (hg19) VCF-style: chr17-56402256-C-T.
Other names: c.858G>A, p.Glu286= (NM_001261835.2); c.678G>A, p.Glu226= (NM_024418.3).
Identifiers: ClinVar variation 5039483 (VCV005039483.1).